The following is an entry in ClinVar:

ClinVar aggregate classification (germline): Benign/Likely benign. Review status: criteria provided, multiple submitters, no conflicts (2 of 4 stars). 8 submissions from 5 submitters: Benign (7); Likely benign (1). Last evaluated 2025-12-30.

Conditions:
Fetal akinesia, respiratory insufficiency, microcephaly, polymicrogyria, and dysmorphic facies. Identifiers: MedGen C5562015, MONDO:0859204, OMIM 619602.
Developmental and epileptic encephalopathy 98. Identifiers: MedGen C5562017, MONDO:0030472, OMIM 619605.
Familial hemiplegic migraine. Identifiers: MedGen C0338484, MONDO:0000700.
Alternating hemiplegia of childhood 1 (AHC1). Identifiers: Orphanet 2131, MedGen C3549447, MONDO:0007087, OMIM 104290.
Migraine, familial hemiplegic, 2. Identifiers: Orphanet 569, MedGen C1865322, MONDO:0011232, OMIM 602481.

Allele frequency attached by ClinVar (database versions not stated): gnomAD 0.00077 and 0.00083; 1000 Genomes Project 0.00100; 1000 Genomes Project 30x 0.00109; ESP Exome Variant Server 0.00131; gnomAD exomes 0.00007 and 0.00016; ExAC 0.00025; TOPMed 0.00071.
gnomAD v4.1: 223 of 1,614,150 alleles (0.014%); highest among the groups gnomAD compares: African/African-American, 0.26%; 1 homozygote.

Submissions (8):

Labcorp Genetics (formerly Invitae), Labcorp
Classification: Benign for Familial hemiplegic migraine. Last evaluated: 2025-12-30. Review status: criteria provided, single submitter. Criteria: Invitae Variant Classification Sherloc (09022015). Collection method: clinical testing. Allele origin: germline.

Blueprint Genetics
Classification: Likely benign. Last evaluated: 2024-11-04. Review status: criteria provided, single submitter. Criteria: ACMG Guidelines, 2015. Collection method: clinical testing. Allele origin: germline.

Genome-Nilou Lab
Classification: Benign for Alternating hemiplegia of childhood 1. Last evaluated: 2021-12-05. Review status: criteria provided, single submitter. Criteria: ACMG Guidelines, 2015. Collection method: clinical testing. Allele origin: germline. Affected: no.

Genome-Nilou Lab
Classification: Benign for Developmental and epileptic encephalopathy 98. Last evaluated: 2021-12-05. Review status: criteria provided, single submitter. Criteria: ACMG Guidelines, 2015. Collection method: clinical testing. Allele origin: germline. Affected: no.

Genome-Nilou Lab
Classification: Benign for Fetal akinesia, respiratory insufficiency, microcephaly, polymicrogyria, and dysmorphic facies. Last evaluated: 2021-12-05. Review status: criteria provided, single submitter. Criteria: ACMG Guidelines, 2015. Collection method: clinical testing. Allele origin: germline. Affected: no.

Genome-Nilou Lab
Classification: Benign for Migraine, familial hemiplegic, 2. Last evaluated: 2021-12-05. Review status: criteria provided, single submitter. Criteria: ACMG Guidelines, 2015. Collection method: clinical testing. Allele origin: germline. Affected: no.

GeneDx
Classification: Benign. Last evaluated: 2013-10-01. Review status: criteria provided, single submitter. Criteria: GeneDx Variant Classification (06012015). Collection method: clinical testing. Allele origin: germline. Affected: yes.
Comment: This variant is considered likely benign or benign based on one or more of the following criteria: it is a conservative change, it occurs at a poorly conserved position in the protein, it is predicted to be benign by multiple in silico algorithms, and/or has population frequency not consistent with disease.

Breakthrough Genomics
Classification: Benign. Review status: criteria provided, single submitter. Criteria: ACMG Guidelines, 2015. Collection method: not provided. Allele origin: germline. Inheritance: Autosomal recessive inheritance. Affected: yes.

NM_000702.4(ATP1A2):c.2709+11C>T

Gene: ATP1A2 (ATPase Na+/K+ transporting subunit alpha 2; plus strand). Cytogenetic location: 1q23.2.
Variant type: single nucleotide variant.
Coding change: c.2709+11C>T on transcript NM_000702.4 (MANE Select); 11 bases into the intron after coding-DNA position 2709, C replaced by T.
Molecular consequence: intron variant.
Genome position (GRCh38, 1-based): chr1:160,136,726, C>T. VCF-style: chr1-160136726-C-T. GRCh37 (hg19) VCF-style: chr1-160106516-C-T.
Identifiers: ClinVar variation 136455 (VCV000136455.12), dbSNP rs115441094, ClinGen allele CA289588.